The following is an entry in ClinVar:

ClinVar aggregate classification (germline): Likely benign. Review status: criteria provided, multiple submitters, no conflicts (2 of 4 stars). 3 submissions from 3 submitters: Likely benign (3). Last evaluated 2025-09-06.

Conditions:
TRPM1-related disorder. Also called: TRPM1-related condition.

Allele frequency attached by ClinVar (database versions not stated): gnomAD exomes 0.00001 and 0.00003; TOPMed 0.00006; gnomAD 0.00007 and 0.00008.
gnomAD v4.1: 53 of 1,614,106 alleles (0.0033%); highest among the groups gnomAD compares: African/African-American, 0.025%; no homozygotes.

Submissions (3):

PreventionGenetics, part of Exact Sciences
Classification: Likely benign for TRPM1-related condition. Last evaluated: 2025-09-06. Review status: criteria provided, single submitter. Criteria: ACMG Guidelines, 2015. Collection method: clinical testing. Allele origin: germline.
Comment: This variant is classified as likely benign based on ACMG/AMP sequence variant interpretation guidelines (Richards et al. 2015 PMID: 25741868, with internal and published modifications).

Labcorp Genetics (formerly Invitae), Labcorp
Classification: Likely benign. Last evaluated: 2025-07-13. Review status: criteria provided, single submitter. Criteria: Invitae Variant Classification Sherloc (09022015). Collection method: clinical testing. Allele origin: germline.

Blueprint Genetics
Classification: Likely benign. Last evaluated: 2020-05-06. Review status: criteria provided, single submitter. Criteria: ACMG Guidelines, 2015. Collection method: clinical testing. Allele origin: germline.

NM_001252024.2(TRPM1):c.927C>T (p.Asp309=)

Gene: TRPM1 (transient receptor potential cation channel subfamily M member 1; minus strand). Cytogenetic location: 15q13.3.
Variant type: single nucleotide variant.
Coding change: c.927C>T on transcript NM_001252024.2 (MANE Select); coding-DNA position 927, C replaced by T.
Protein change: p.Asp309=; no amino-acid change (aspartic acid 309 retained).
Molecular consequence: synonymous variant.
Genome position (GRCh38, 1-based): chr15:31,063,156, G>A on the plus strand (C>T on the coding strand, the complement: TRPM1 is on the minus strand). VCF-style: chr15-31063156-G-A. GRCh37 (hg19) VCF-style: chr15-31355359-G-A.
Other names: c.978C>T, p.Asp326= (NM_001252020.2); c.861C>T, p.Asp287= (NM_002420.6); c.978C>T (NM_001252020.1).
Identifiers: ClinVar variation 1082295 (VCV001082295.11), dbSNP rs956578354, ClinGen allele CA267496179.
Genomic context (GRCh38, chr15:31,063,156, plus strand): 5'-CCTCGCGCGTCAGAAATCCTACCCGCCTTCTTCACAGTACTTGTGCGCAAAGGACAGGAT[G>A]TCCGAGGCACGTCCGCTGCCATCACAAATCACCACAGGGATGGGAGGCTCTTCTTGCAGG-3'
Protein context (NP_001238953.1, residues 299-319): VICDGSGRAS[Asp309=]ILSFAHKYCE